The following is an entry in ClinVar:

NM_006073.4(TRDN):c.982A>T (p.Lys328Ter)

Gene: TRDN (triadin; minus strand). Cytogenetic location: 6q22.31.
Variant type: single nucleotide variant.
Coding change: c.982A>T on transcript NM_006073.4 (MANE Select); coding-DNA position 982, A replaced by T.
Protein change: p.Lys328Ter; replaces lysine 328 with a stop codon.
Molecular consequence: nonsense.
Genome position (GRCh38, 1-based): chr6:123,438,953, T>A on the plus strand (A>T on the coding strand, the complement: TRDN is on the minus strand). VCF-style: chr6-123438953-T-A. GRCh37 (hg19) VCF-style: chr6-123760098-T-A.
Other names: c.982A>T, p.Lys328Ter (NM_001251987.2); c.922A>T, p.Lys308Ter (NM_001407315.1); short protein forms K308*, K328*.
Identifiers: ClinVar variation 3461006 (VCV003461006.1).

ClinVar aggregate classification (germline): Uncertain significance (1 of 4 stars; one submission).

Conditions:
Cardiovascular phenotype. Identifiers: MedGen CN230736.

Submission:

Ambry Genetics
Classification: Uncertain significance for Cardiovascular phenotype. Last evaluated: 2024-11-15. Review status: criteria provided, single submitter. Criteria: Ambry Variant Classification Scheme 2023. Collection method: clinical testing. Allele origin: germline.
Comment: The p.K328* variant (also known as c.982A>T), located in coding exon 11 of the TRDN gene, results from an A to T substitution at nucleotide position 982. This changes the amino acid from a lysine to a stop codon within coding exon 11. This alteration is expected to result in loss of function by premature protein truncation or nonsense-mediated mRNA decay. However, this alteration does not impact the predominant cardiac isoform ofTRDN(NM_001256021.1; Kobayashi YM et al. J. Biol. Chem., 1999 Oct;274:28660-8). Based on the available evidence, the clinical significance of this variant remains unclear.